The following is an entry in ClinVar:

NR_001566.3(TERC):n.246G>C

Genes: TERC (telomerase RNA component; minus strand), LOC110806306 (telomerase RNA component (TERC) promoter; plus strand). Cytogenetic location: 3q26.2.
Variant type: single nucleotide variant.
Molecular consequence: non-coding transcript variant (on NR_001566.3).
Genome position: GRCh38 VCF-style: chr3-169764815-C-G. GRCh37 (hg19) VCF-style: chr3-169482603-C-G.
Identifiers: ClinVar variation 4812272 (VCV004812272.1).
Genomic context (GRCh38, chr3:169,764,815, plus strand): 5'-ACTCTTCGCGGTGGCAGTGGGTGCCTCCGGAGAAGCCCCGGGCCGACCGCGGCCTCCAGG[C>G]GGGGTTCGGGGGCTGGGCAGGCGACCCGCCGCAGGTCCCCGGGAGGGGCGAACGGGCCAG-3'

ClinVar aggregate classification (germline): Uncertain significance (1 of 4 stars; one submission).

Conditions:
Dyskeratosis congenita, autosomal dominant 1 (DKCA1). Also called: Dyskeratosis congenita Scoggins type. Identifiers: Orphanet 1775, MedGen C4551974, MONDO:0007485, OMIM 127550. Inheritance: Variable.

Submission:

Labcorp Genetics (formerly Invitae), Labcorp
Classification: Uncertain significance for Dyskeratosis congenita, autosomal dominant 1. Last evaluated: 2025-07-16. Review status: criteria provided, single submitter. Criteria: Invitae Variant Classification Sherloc (09022015). Collection method: clinical testing. Allele origin: germline.
Comment: This variant occurs in the TERC gene, which encodes an RNA molecule that does not result in a protein product. This variant is not present in population databases (gnomAD no frequency). This variant has not been reported in the literature in individuals affected with TERC-related conditions. This variant is located within the conserved regions 4 and 5 (CR4-CR5) domain of the TERC RNA component, which is required for telomerase activity (PMID: 15082312, 21844345). In summary, the available evidence is currently insufficient to determine the role of this variant in disease. Therefore, it has been classified as a Variant of Uncertain Significance.

Literature cited by the submitters: PubMed 15082312; PubMed 21844345.